The following is an entry in ClinVar:

NM_018136.5(ASPM):c.3247A>G (p.Ile1083Val)

Gene: ASPM (assembly factor for spindle microtubules; minus strand). Cytogenetic location: 1q31.3.
Variant type: single nucleotide variant.
Coding change: c.3247A>G on transcript NM_018136.5 (MANE Select); coding-DNA position 3247, A replaced by G.
Protein change: p.Ile1083Val; replaces isoleucine 1083 with valine.
Molecular consequence: missense variant.
Genome position (GRCh38, 1-based): chr1:197,124,253, T>C on the plus strand (A>G on the coding strand, the complement: ASPM is on the minus strand). VCF-style: chr1-197124253-T-C. GRCh37 (hg19) VCF-style: chr1-197093383-T-C.
Other names: c.3247A>G, p.Ile1083Val (NM_001206846.2); short protein forms I1083V.
Identifiers: ClinVar variation 379166 (VCV000379166.2), dbSNP rs772918163, ClinGen allele CA1310215.

ClinVar aggregate classification (germline): Conflicting classifications of pathogenicity. Review status: criteria provided, conflicting classifications (1 of 4 stars). 2 submissions from 2 submitters: Uncertain significance (1); Likely benign (1). Last evaluated 2025-03-24.

Conditions:
Inborn genetic diseases. Identifiers: MedGen C0950123, MeSH D030342.

Allele frequency attached by ClinVar (database versions not stated): gnomAD exomes 0.00001 and below 0.00001; ExAC 0.00001.

Submissions (2):

Ambry Genetics
Classification: Uncertain significance for Inborn genetic diseases. Last evaluated: 2025-03-24. Review status: criteria provided, single submitter. Criteria: Ambry Variant Classification Scheme 2023. Collection method: clinical testing. Allele origin: germline.

GeneDx
Classification: Likely benign. Last evaluated: 2015-03-16. Review status: criteria provided, single submitter. Criteria: GeneDx Variant Classification (06012015). Collection method: clinical testing. Allele origin: germline. Affected: yes.
Comment: This variant is considered likely benign or benign based on one or more of the following criteria: it is a conservative change, it occurs at a poorly conserved position in the protein, it is predicted to be benign by multiple in silico algorithms, and/or has population frequency not consistent with disease.